The following is an entry in ClinVar:

ClinVar aggregate classification (germline): Likely benign. Review status: criteria provided, multiple submitters, no conflicts (2 of 4 stars). 2 submissions from 2 submitters: Likely benign (2). Last evaluated 2026-06-01.

Conditions:
Ullrich congenital muscular dystrophy 2 (UCMD2). Identifiers: Orphanet 75840, MedGen C4225314, MONDO:0014654, OMIM 616470.
Bethlem myopathy 2 (BTHLM2). Identifiers: Orphanet 536516, Orphanet 610, MedGen C4225313, MONDO:0034022, OMIM 616471.

Allele frequency attached by ClinVar (database versions not stated): gnomAD 0.00001; gnomAD exomes 0.00001 and 0.00002; TOPMed 0.00001; ExAC 0.00002; ESP Exome Variant Server 0.00008.
gnomAD v4.1: 25 of 1,613,816 alleles (0.0015%); highest among the groups gnomAD compares: South Asian, 0.0066%; no homozygotes.

Submissions (2):

CeGaT Center for Human Genetics Tuebingen
Classification: Likely benign. Last evaluated: 2026-06-01. Review status: criteria provided, single submitter. Criteria: CeGaT Center For Human Genetics Tuebingen Variant Classification Criteria Version 2. Collection method: clinical testing. Allele origin: germline. Affected: yes. Observed: 1 variant allele.
Comment: COL12A1: BP4, BP7

Labcorp Genetics (formerly Invitae), Labcorp
Classification: Likely benign for Bethlem myopathy 2; Ullrich congenital muscular dystrophy 2. Last evaluated: 2025-11-23. Review status: criteria provided, single submitter. Criteria: Invitae Variant Classification Sherloc (09022015). Collection method: clinical testing. Allele origin: germline.

NM_004370.6(COL12A1):c.7224G>A (p.Thr2408=)

Genes: COL12A1 (collagen type XII alpha 1 chain; minus strand), LOC126859712 (MED14-independent group 3 enhancer GRCh37_chr6:75828643-75829842; plus strand). Cytogenetic location: 6q13.
Variant type: single nucleotide variant.
Coding change: c.7224G>A on transcript NM_004370.6 (MANE Select); coding-DNA position 7224, G replaced by A.
Protein change: p.Thr2408=; no amino-acid change (threonine 2408 retained).
Molecular consequence: synonymous variant.
Genome position (GRCh38, 1-based): chr6:75,119,173, C>T on the plus strand (G>A on the coding strand, the complement: COL12A1 is on the minus strand). VCF-style: chr6-75119173-C-T. GRCh37 (hg19) VCF-style: chr6-75828889-C-T.
Other names: c.3732G>A, p.Thr1244= (NM_080645.3).
Identifiers: ClinVar variation 1094358 (VCV001094358.11), dbSNP rs368333381, ClinGen allele CA3892610.